The following is an entry in ClinVar:

NM_001365276.2(TNXB):c.9115+3_9115+6del

Gene: TNXB (tenascin XB; minus strand). Cytogenetic location: 6p21.33.
Variant type: Deletion.
Coding change: c.9115+3_9115+6del on transcript NM_001365276.2 (MANE Select); bases 3 to 6 of the intron after coding-DNA position 9115, 4 bases deleted (GAGT; older notation c.9115+3_9115+6delGAGT).
Molecular consequence: splice donor variant.
Genome position (GRCh38, 1-based): chr6:32,052,664-32,052,667, ACTC deleted on the plus strand (GAGT on the coding strand, the reverse complement: TNXB is on the minus strand); deleting any 4 consecutive bases within chr6:32,052,664-32,052,669 gives the same sequence; the c. name uses the placement nearest the transcript's 3' end. VCF-style (leftmost placement, unchanged base first): chr6-32052663-TACTC-T. GRCh37 (hg19) VCF-style: chr6-32020440-TACTC-T.
Other names: c.9109+3_9109+6del (NM_019105.8).
Identifiers: ClinVar variation 1306614 (VCV001306614.2), dbSNP rs773841818, ClinGen allele CA3733645.

ClinVar aggregate classification (germline): Uncertain significance (1 of 4 stars; one submission).

Submission:

GeneDx
Classification: Uncertain significance. Last evaluated: 2019-06-25. Review status: criteria provided, single submitter. Criteria: GeneDx Variant Classification Process June 2021. Collection method: clinical testing. Allele origin: germline. Affected: yes.
Comment: Has not been previously published as pathogenic or benign to our knowledge; Not observed at a significant frequency in large population cohorts (Lek et al., 2016); In silico analysis, which includes splice predictors and evolutionary conservation, supports that this variant does not alter protein structure/function